The following is an entry in ClinVar:

ClinVar aggregate classification (germline): Uncertain significance (1 of 4 stars; one submission).

Conditions:
Primary familial hypertrophic cardiomyopathy (HCM). Identifiers: Orphanet 99739, MedGen C0949658, MeSH D024741, MONDO:0024573. Inheritance: Various modes of inheritance.
Hypertrophic cardiomyopathy 25 (CMH25). Also called: CARDIOMYOPATHY, FAMILIAL HYPERTROPHIC, 25. Identifiers: MedGen C4225408, MONDO:0011843, OMIM 607487.

Submission:

Labcorp Genetics (formerly Invitae), Labcorp
Classification: Uncertain significance for Hypertrophic cardiomyopathy 25; Primary familial hypertrophic cardiomyopathy. Last evaluated: 2024-02-22. Review status: criteria provided, single submitter. Criteria: Invitae Variant Classification Sherloc (09022015). Collection method: clinical testing. Allele origin: germline.
Comment: This sequence change replaces isoleucine, which is neutral and non-polar, with leucine, which is neutral and non-polar, at codon 111 of the TCAP protein (p.Ile111Leu). This variant is not present in population databases (gnomAD no frequency). This variant has not been reported in the literature in individuals affected with TCAP-related conditions. ClinVar contains an entry for this variant (Variation ID: 1019936). Algorithms developed to predict the effect of missense changes on protein structure and function output the following: SIFT: "Not Available"; PolyPhen-2: "Benign"; Align-GVGD: "Not Available". The leucine amino acid residue is found in multiple mammalian species, which suggests that this missense change does not adversely affect protein function. In summary, the available evidence is currently insufficient to determine the role of this variant in disease. Therefore, it has been classified as a Variant of Uncertain Significance.

NM_003673.4(TCAP):c.331A>C (p.Ile111Leu)

Gene: TCAP (titin-cap; plus strand). Cytogenetic location: 17q12.
Variant type: single nucleotide variant.
Coding change: c.331A>C on transcript NM_003673.4 (MANE Select); coding-DNA position 331, A replaced by C.
Protein change: p.Ile111Leu; replaces isoleucine 111 with leucine.
Molecular consequence: missense variant.
Genome position (GRCh38, 1-based): chr17:39,665,936, A>C. VCF-style: chr17-39665936-A-C. GRCh37 (hg19) VCF-style: chr17-37822189-A-C.
Other names: short protein forms I111L.
Identifiers: ClinVar variation 1019936 (VCV001019936.9), dbSNP rs2057251976, ClinGen allele CA399305168.